The following is an entry in ClinVar:

ClinVar aggregate classification (germline): Uncertain significance (1 of 4 stars; one submission).

Submission:

GeneDx
Classification: Uncertain significance. Last evaluated: 2024-03-10. Review status: criteria provided, single submitter. Criteria: GeneDx Variant Classification Process June 2021. Collection method: clinical testing. Allele origin: germline. Affected: yes.
Comment: Not observed at significant frequency in large population cohorts (gnomAD); In silico analysis supports that this missense variant has a deleterious effect on protein structure/function; Has not been previously published as pathogenic or benign to our knowledge

NM_000489.6(ATRX):c.6669G>T (p.Lys2223Asn)

Gene: ATRX (ATRX chromatin remodeler; minus strand). Cytogenetic location: Xq21.1.
Variant type: single nucleotide variant.
Coding change: c.6669G>T on transcript NM_000489.6 (MANE Select); coding-DNA position 6669, G replaced by T.
Protein change: p.Lys2223Asn; replaces lysine 2223 with asparagine.
Molecular consequence: missense variant.
Genome position (GRCh38, 1-based): chrX:77,557,481, C>A on the plus strand (G>T on the coding strand, the complement: ATRX is on the minus strand). VCF-style: chrX-77557481-C-A. GRCh37 (hg19) VCF-style: chrX-76812952-C-A.
Other names: c.6555G>T, p.Lys2185Asn (NM_138270.5); short protein forms K2185N, K2223N.
Identifiers: ClinVar variation 3340846 (VCV003340846.1).